The following is an entry in ClinVar:

ClinVar aggregate classification (germline): Uncertain significance (1 of 4 stars; one submission).

Conditions:
FG syndrome (FGS). Identifiers: MedGen C0220769, MONDO:0002010.

Submission:

Labcorp Genetics (formerly Invitae), Labcorp
Classification: Uncertain significance for FG syndrome. Last evaluated: 2020-12-25. Review status: criteria provided, single submitter. Criteria: Invitae Variant Classification Sherloc (09022015). Collection method: clinical testing. Allele origin: germline.
Comment: This sequence change replaces threonine with proline at codon 330 of the MED12 protein (p.Thr330Pro). The threonine residue is moderately conserved and there is a small physicochemical difference between threonine and proline. In summary, the available evidence is currently insufficient to determine the role of this variant in disease. Therefore, it has been classified as a Variant of Uncertain Significance. Advanced modeling of protein sequence and biophysical properties (such as structural, functional, and spatial information, amino acid conservation, physicochemical variation, residue mobility, and thermodynamic stability) performed at Invitae indicates that this missense variant is not expected to disrupt MED12 protein function. This variant has not been reported in the literature in individuals with MED12-related conditions. This variant is not present in population databases (ExAC no frequency).

NM_005120.3(MED12):c.988A>C (p.Thr330Pro)

Gene: MED12 (mediator complex subunit 12; plus strand). Cytogenetic location: Xq13.1.
Variant type: single nucleotide variant.
Coding change: c.988A>C on transcript NM_005120.3 (MANE Select); coding-DNA position 988, A replaced by C.
Protein change: p.Thr330Pro; replaces threonine 330 with proline.
Molecular consequence: missense variant.
Genome position (GRCh38, 1-based): chrX:71,121,703, A>C. VCF-style: chrX-71121703-A-C. GRCh37 (hg19) VCF-style: chrX-70341553-A-C.
Other names: short protein forms T330P.
Identifiers: ClinVar variation 1400117 (VCV001400117.8), dbSNP rs2147780054, ClinGen allele CA413504874.
Genomic context (GRCh38, chrX:71,121,703, plus strand): 5'-GATGGTGTGAGCAGTCACTCATCTCATGTTATATCTGCTCAGTCAACAAGCACGCTACCC[A>C]CCACCCCTGCTCCTCAGCCCCCAACTAGCAGCACACCCTCGACTCCCTTTAGTGACCTGC-3'
Protein context (NP_005111.2, residues 320-340): ISAQSTSTLP[Thr330Pro]TPAPQPPTSS